The following is an entry in ClinVar:

ClinVar aggregate classification (germline): Uncertain significance (1 of 4 stars; one submission).

Conditions:
MYO5B-related disorder. Also called: MYO5B-related condition.

gnomAD v4.1: 8 of 1,614,092 alleles (0.0005%); highest among the groups gnomAD compares: African/African-American, 0.0067%; no homozygotes.

Submission:

PreventionGenetics, part of Exact Sciences
Classification: Uncertain significance for MYO5B-related condition. Last evaluated: 2025-06-24. Review status: criteria provided, single submitter. Criteria: ACMG Guidelines, 2015. Collection method: clinical testing. Allele origin: germline.
Comment: The MYO5B c.4642T>C variant is predicted to result in the amino acid substitution p.Phe1548Leu. To our knowledge, this variant has not been reported in the literature. This variant is reported in 0.0033% of alleles in individuals of South Asian descent in gnomAD. At this time, the clinical significance of this variant is uncertain due to the absence of conclusive functional and genetic evidence.

NM_001080467.3(MYO5B):c.4642T>C (p.Phe1548Leu)

Genes: MYO5B (myosin VB; minus strand), SNHG22 (small nucleolar RNA host gene 22; plus strand). Cytogenetic location: 18q21.1.
Variant type: single nucleotide variant.
Coding change: c.4642T>C on transcript NM_001080467.3 (MANE Select); coding-DNA position 4642, T replaced by C.
Protein change: p.Phe1548Leu; replaces phenylalanine 1548 with leucine.
Molecular consequence: missense variant.
Genome position (GRCh38, 1-based): chr18:49,841,424, A>G on the plus strand (T>C on the coding strand, the complement: MYO5B is on the minus strand). VCF-style: chr18-49841424-A-G. GRCh37 (hg19) VCF-style: chr18-47367794-A-G.
Other names: short protein forms F1548L.
Identifiers: ClinVar variation 4980153 (VCV004980153.1).